The following is an entry in ClinVar:

NM_000492.4(CFTR):c.4114C>T (p.Pro1372Ser)

Gene: CFTR (CF transmembrane conductance regulator; plus strand). Cytogenetic location: 7q31.2.
Variant type: single nucleotide variant.
Coding change: c.4114C>T on transcript NM_000492.4 (MANE Select); coding-DNA position 4114, C replaced by T.
Protein change: p.Pro1372Ser; replaces proline 1372 with serine.
Molecular consequence: missense variant.
Genome position (GRCh38, 1-based): chr7:117,664,838, C>T. VCF-style: chr7-117664838-C-T. GRCh37 (hg19) VCF-style: chr7-117304892-C-T.
Other names: short protein forms P1372S.
Identifiers: ClinVar variation 2587605 (VCV002587605.2), dbSNP rs397508676, ClinGen allele CA368982977.

ClinVar aggregate classification (germline): Uncertain significance (1 of 4 stars; one submission).

Conditions:
Cystic fibrosis (CF). Also called: MUCOVISCIDOSIS. Identifiers: Orphanet 586, MedGen C0010674, MONDO:0009061, OMIM 219700. Disease mechanism: loss of function.

Submission:

Ambry Genetics
Classification: Uncertain significance for Cystic fibrosis. Last evaluated: 2023-06-28. Review status: criteria provided, single submitter. Criteria: Ambry Variant Classification Scheme 2023. Collection method: clinical testing. Allele origin: germline.
Comment: The p.P1372S variant (also known as c.4114C>T), located in coding exon 25 of the CFTR gene, results from a C to T substitution at nucleotide position 4114. The proline at codon 1372 is replaced by serine, an amino acid with similar properties. This amino acid position is conserved. In addition, this alteration is predicted to be deleterious by in silico analysis. Since supporting evidence is limited at this time, the clinical significance of this alteration remains unclear.